The following is an entry in ClinVar:

ClinVar aggregate classification (germline): Likely benign. Review status: criteria provided, multiple submitters, no conflicts (2 of 4 stars). 2 submissions from 2 submitters: Likely benign (2). Last evaluated 2023-10-05.

Allele frequency attached by ClinVar (database versions not stated): ESP Exome Variant Server 0.00015.
gnomAD v4.1: 23 of 1,609,318 alleles (0.0014%); highest among the groups gnomAD compares: Non-Finnish European, 0.0016%; no homozygotes.

Submissions (2):

Labcorp Genetics (formerly Invitae), Labcorp
Classification: Likely benign. Last evaluated: 2023-10-05. Review status: criteria provided, single submitter. Criteria: Invitae Variant Classification Sherloc (09022015). Collection method: clinical testing. Allele origin: germline.

CeGaT Center for Human Genetics Tuebingen
Classification: Likely benign. Last evaluated: 2023-07-01. Review status: criteria provided, single submitter. Criteria: CeGaT Center For Human Genetics Tuebingen Variant Classification Criteria Version 2. Collection method: clinical testing. Allele origin: germline. Affected: yes. Observed: 1 variant allele.
Comment: ADCY5: BP4, BP7

NM_183357.3(ADCY5):c.996C>A (p.Thr332=)

Gene: ADCY5 (adenylate cyclase 5; minus strand). Cytogenetic location: 3q21.1.
Variant type: single nucleotide variant.
Coding change: c.996C>A on transcript NM_183357.3 (MANE Select); coding-DNA position 996, C replaced by A.
Protein change: p.Thr332=; no amino-acid change (threonine 332 retained).
Molecular consequence: synonymous variant.
Genome position (GRCh38, 1-based): chr3:123,447,550, G>T on the plus strand (C>A on the coding strand, the complement: ADCY5 is on the minus strand). VCF-style: chr3-123447550-G-T. GRCh37 (hg19) VCF-style: chr3-123166397-G-T.
Other names: c.996C>A, p.Thr332= (NM_001378259.1).
Identifiers: ClinVar variation 2044983 (VCV002044983.28), dbSNP rs146379370, ClinGen allele CA2577594.